The following is an entry in ClinVar:

NM_001605.3(AARS1):c.797A>G (p.Tyr266Cys)

Gene: AARS1 (alanyl-tRNA synthetase 1; minus strand). Cytogenetic location: 16q22.1.
Variant type: single nucleotide variant.
Coding change: c.797A>G on transcript NM_001605.3 (MANE Select); coding-DNA position 797, A replaced by G.
Protein change: p.Tyr266Cys; replaces tyrosine 266 with cysteine.
Molecular consequence: missense variant.
Genome position (GRCh38, 1-based): chr16:70,270,215, T>C on the plus strand (A>G on the coding strand, the complement: AARS1 is on the minus strand). VCF-style: chr16-70270215-T-C. GRCh37 (hg19) VCF-style: chr16-70304118-T-C.
Other names: short protein forms Y266C.
Identifiers: ClinVar variation 582779 (VCV000582779.6), dbSNP rs1567607754, ClinGen allele CA396565162.
Genomic context (GRCh38, chr16:70,270,215, plus strand): 5'-AACTCCACAGAAGTTTACAATGTTTGCAATAGCACCAGTACCTTCTGAATGGCTTCAAAG[T>C]AAGGGACAAAAAGGTCAGTGTCATAGTTGGACATCTTATTCTGCAGCACAGATACCAGTC-3'
Protein context (NP_001596.2, residues 256-276): SNYDTDLFVP[Tyr266Cys]FEAIQKGTGA

ClinVar aggregate classification (germline): Uncertain significance (1 of 4 stars; one submission).

Conditions:
Charcot-Marie-Tooth disease type 2. Also called: Charcot-Marie-Tooth type 2. Identifiers: Orphanet 64746, MedGen C0270914, MONDO:0018993.

Submission:

Labcorp Genetics (formerly Invitae), Labcorp
Classification: Uncertain significance for Charcot-Marie-Tooth disease type 2. Last evaluated: 2021-10-23. Review status: criteria provided, single submitter. Criteria: Invitae Variant Classification Sherloc (09022015). Collection method: clinical testing. Allele origin: germline.
Comment: This variant has not been reported in the literature in individuals affected with AARS-related conditions. This sequence change replaces tyrosine with cysteine at codon 266 of the AARS protein (p.Tyr266Cys). The tyrosine residue is moderately conserved and there is a large physicochemical difference between tyrosine and cysteine. This variant is not present in population databases (ExAC no frequency). Algorithms developed to predict the effect of missense changes on protein structure and function are either unavailable or do not agree on the potential impact of this missense change (SIFT: "Deleterious"; PolyPhen-2: "Probably Damaging"; Align-GVGD: "Class C0"). In summary, the available evidence is currently insufficient to determine the role of this variant in disease. Therefore, it has been classified as a Variant of Uncertain Significance.